The following is an entry in ClinVar:

ClinVar aggregate classification (germline): Benign (1 of 4 stars; one submission).

Conditions:
Congenital fibrosis of extraocular muscles type 1. Also called: CFEOM3B; BLEPHAROPTOSIS WITH ABSENT EYE MOVEMENTS; OPHTHALMOPLEGIA, CONGENITAL; FEOM1 LOCUS. Identifiers: MedGen C1851102, MONDO:0021083, OMIM 135700.

Allele frequency attached by ClinVar (database versions not stated): gnomAD exomes 0.00031; gnomAD 0.00372 and 0.00401; TOPMed 0.00430; 1000 Genomes Project 30x 0.00312; 1000 Genomes Project 0.00280.
gnomAD v4.1: 568 of 172,662 alleles (0.33%); highest among the groups gnomAD compares: African/African-American, 1.3%; 3 homozygotes.

Submission:

Illumina Laboratory Services, Illumina
Classification: Benign for Congenital fibrosis of extraocular muscles type 1. Last evaluated: 2018-01-12. Review status: criteria provided, single submitter. Criteria: ICSL Variant Classification Criteria 13 December 2019. Collection method: clinical testing. Allele origin: germline.
Comment: This variant was observed in the ICSL laboratory as part of a predisposition screen in an ostensibly healthy population. It had not been previously curated by ICSL or reported in the Human Gene Mutation Database (HGMD: prior to June 1st, 2018), and was therefore a candidate for classification through an automated scoring system. Utilizing variant allele frequency, disease prevalence and penetrance estimates, and inheritance mode, an automated score was calculated to assess if this variant is too frequent to cause the disease. Based on the score and internal cut-off values, a variant classified as benign is not then subjected to further curation. The score for this variant resulted in a classification of benign for this disease.

NM_001173464.2(KIF21A):c.*447A>G

Gene: KIF21A (kinesin family member 21A; minus strand). Cytogenetic location: 12q12.
Variant type: single nucleotide variant.
Coding change: c.*447A>G on transcript NM_001173464.2 (MANE Select); 447 bases downstream of the stop codon, A replaced by G.
Molecular consequence: 3 prime UTR variant.
Genome position (GRCh38, 1-based): chr12:39,293,977, T>C on the plus strand (A>G on the coding strand, the complement: KIF21A is on the minus strand). VCF-style: chr12-39293977-T-C. GRCh37 (hg19) VCF-style: chr12-39687779-T-C.
Other names: c.*447A>G (NM_001173463.2, NM_001173465.2, NM_017641.4).
Identifiers: ClinVar variation 308539 (VCV000308539.5), dbSNP rs74088336, ClinGen allele CA10637323.